The following is an entry in ClinVar:

NM_001267550.2(TTN):c.1666_1670del (p.Arg556fs)

Gene: TTN (titin; minus strand). Cytogenetic location: 2q31.2.
Variant type: Deletion.
Coding change: c.1666_1670del on transcript NM_001267550.2 (MANE Select); coding-DNA positions 1666 to 1670, 5 bases deleted (AGACA; older notation c.1666_1670delAGACA).
Protein change: p.Arg556fs; shifts the reading frame from arginine 556.
Molecular consequence: frameshift variant. On other transcripts: intron variant (3).
Genome position (GRCh38, 1-based): chr2:178,790,838-178,790,842, TGTCT deleted on the plus strand (AGACA on the coding strand, the reverse complement: TTN is on the minus strand); deleting any 5 consecutive bases within chr2:178,790,838-178,790,843 gives the same sequence; the c. name uses the placement nearest the transcript's 3' end. VCF-style (leftmost placement, unchanged base first): chr2-178790837-CTGTCT-C. GRCh37 (hg19) VCF-style: chr2-179655564-CTGTCT-C.
Other names: c.1666_1670del, p.Arg556fs (NM_001256850.1, NM_133378.4, NM_133379.5); c.1663-727_1663-723del (NM_003319.4, NM_133437.4, NM_133432.3); short protein forms R556fs.
Identifiers: ClinVar variation 4784261 (VCV004784261.1).

ClinVar aggregate classification (germline): Likely pathogenic (1 of 4 stars; one submission).

Conditions:
Dilated cardiomyopathy 1G (CMD1G). Identifiers: Orphanet 154, MedGen C1858763, MONDO:0011400, OMIM 604145.
Autosomal recessive limb-girdle muscular dystrophy type 2J (LGMDR10). Also called: Limb-girdle muscular dystrophy, type 2J; MUSCULAR DYSTROPHY, LIMB-GIRDLE, AUTOSOMAL RECESSIVE 10. Identifiers: Orphanet 140922, MedGen C1837342, MONDO:0012127, OMIM 608807.

Submission:

Labcorp Genetics (formerly Invitae), Labcorp
Classification: Likely pathogenic for Dilated cardiomyopathy 1G; Autosomal recessive limb-girdle muscular dystrophy type 2J. Last evaluated: 2025-02-23. Review status: criteria provided, single submitter. Criteria: Invitae Variant Classification Sherloc (09022015). Collection method: clinical testing. Allele origin: germline.
Comment: This sequence change creates a premature translational stop signal (p.Arg556Glyfs*3) in the TTN gene. While this is not anticipated to result in nonsense mediated decay, it is expected to create a truncated TTN protein. This variant is not present in population databases (gnomAD no frequency). This variant has not been reported in the literature in individuals affected with TTN-related conditions. This variant is located in the Z band of TTN (PMID: 25589632). Truncating variants in this region have been reported in individuals affected with autosomal recessive centronuclear myopathy (PMID: 33449170, internal data). Truncating variants in this region have also been identified in individuals affected with autosomal dominant dilated cardiomyopathy and/or cardio-related conditions (PMID: 27869827, 32964742, internal data). In summary, the currently available evidence indicates that the variant is pathogenic, but additional data are needed to prove that conclusively. Therefore, this variant has been classified as Likely Pathogenic.

Literature cited by the submitters: PubMed 25589632; PubMed 33449170; PubMed 27869827; PubMed 32964742.